The following is an entry in ClinVar:

NM_002335.4(LRP5):c.1348C>T (p.Arg450Cys)

Gene: LRP5 (LDL receptor related protein 5; plus strand). Cytogenetic location: 11q13.2.
Variant type: single nucleotide variant.
Coding change: c.1348C>T on transcript NM_002335.4 (MANE Select); coding-DNA position 1348, C replaced by T.
Protein change: p.Arg450Cys; replaces arginine 450 with cysteine.
Molecular consequence: missense variant. On other transcripts: 5 prime UTR variant (1).
Genome position (GRCh38, 1-based): chr11:68,386,648, C>T. VCF-style: chr11-68386648-C-T. GRCh37 (hg19) VCF-style: chr11-68154116-C-T.
Other names: c.-418C>T (NM_001291902.2); short protein forms R450C.
Identifiers: ClinVar variation 870119 (VCV000870119.15), dbSNP rs765695793, ClinGen allele CA6149309.

ClinVar aggregate classification (germline): Conflicting classifications of pathogenicity. Review status: criteria provided, conflicting classifications (1 of 4 stars). 4 submissions from 4 submitters: Likely pathogenic (2); Uncertain significance (2). Last evaluated 2026-08-12.

Conditions:
LRP5-related disorder. Also called: LRP5-related condition.
Osteoporosis with pseudoglioma (OPPG). Also called: osteoporosis-pseudoglioma syndrome. Identifiers: Orphanet 2788, MedGen C0432252, MONDO:0009820, OMIM 259770.
Autosomal dominant osteopetrosis 1 (OPTA1). Also called: OSTEOPETROSIS, AUTOSOMAL DOMINANT, TYPE I. Identifiers: Orphanet 2783, MedGen C1843330, MONDO:0011877, OMIM 607634.

Allele frequency attached by ClinVar (database versions not stated): ExAC 0.00001; gnomAD exomes 0.00001; TOPMed 0.00001.

Submissions (4):

PreventionGenetics, part of Exact Sciences
Classification: Uncertain significance for LRP5-related condition. Last evaluated: 2026-08-12. Review status: criteria provided, single submitter. Criteria: ACMG Guidelines, 2015. Collection method: clinical testing. Allele origin: germline.
Comment: The LRP5 c.1348C>T variant is predicted to result in the amino acid substitution p.Arg450Cys. This variant has been reported in the compound heterozygous state along with a second variant of uncertain significance in an individual with familial exudative vitreoretinopathy (FEVR) (Kitic et al. 2024. PubMed ID: 37973048) and was also reported in another individual with FEVR although zygosity was not indicated (Cen et al. 2025. PubMed ID: 40725964). This variant is reported in 0.0058% of alleles in individuals of Latino descent in gnomAD and has conflicting interpretations in ClinVar ranging from uncertain to likely pathogenic (Variation ID: 870119). An alternate missense at the same amino acid position (p.Arg450His) has been reported in the compound heterozygous state in three individuals with FEVR (Li et al. 2018. PubMed ID: 30452590; Tao et al. 2021. PubMed ID: 34860240; Mao et al. 2022. PubMed ID: 36411543). At this time, the clinical significance of this variant is uncertain due to the absence of conclusive functional and genetic evidence.

Labcorp Genetics (formerly Invitae), Labcorp
Classification: Likely pathogenic. Last evaluated: 2024-10-28. Review status: criteria provided, single submitter. Criteria: Invitae Variant Classification Sherloc (09022015). Collection method: clinical testing. Allele origin: germline.
Comment: This sequence change replaces arginine, which is basic and polar, with cysteine, which is neutral and slightly polar, at codon 450 of the LRP5 protein (p.Arg450Cys). This variant is present in population databases (rs765695793, gnomAD 0.006%). This variant has not been reported in the literature in individuals affected with LRP5-related conditions. ClinVar contains an entry for this variant (Variation ID: 870119). Invitae Evidence Modeling of protein sequence and biophysical properties (such as structural, functional, and spatial information, amino acid conservation, physicochemical variation, residue mobility, and thermodynamic stability) indicates that this missense variant is expected to disrupt LRP5 protein function with a positive predictive value of 95%. This variant disrupts the p.Arg450 amino acid residue in LRP5. Other variant(s) that disrupt this residue have been determined to be pathogenic (PMID: 30452590, 34860240, 36411543). This suggests that this residue is clinically significant, and that variants that disrupt this residue are likely to be disease-causing. In summary, the currently available evidence indicates that the variant is pathogenic, but additional data are needed to prove that conclusively. Therefore, this variant has been classified as Likely Pathogenic.

MVZ Martinsried, Medicover Genetics
Classification: Uncertain significance for Autosomal dominant osteopetrosis 1. Last evaluated: 2024-04-11. Review status: criteria provided, single submitter. Criteria: ACGS Guidelines, 2020. Collection method: clinical testing. Allele origin: unknown. Affected: yes. Observed: 1 heterozygote.

Genetics Department, Polish Mother's Memorial Hospital Research Institute
Classification: Likely pathogenic for Osteoporosis with pseudoglioma. Last evaluated: 2020-04-06. Review status: criteria provided, single submitter. Criteria: ACMG Guidelines, 2015. Collection method: research. Allele origin: maternal. Affected: yes. Observed: 1 variant allele.

Literature cited by the submitters: PubMed 30452590 (cited by Labcorp Genetics (formerly Invitae), Labcorp); PubMed 34860240 (cited by Labcorp Genetics (formerly Invitae), Labcorp); PubMed 36411543 (cited by Labcorp Genetics (formerly Invitae), Labcorp).